The following is an entry in ClinVar:

ClinVar aggregate classification (germline): Uncertain significance. Review status: criteria provided, multiple submitters, no conflicts (2 of 4 stars). 2 submissions from 2 submitters: Uncertain significance (2). Last evaluated 2024-10-22.

Conditions:
Deficiency of adenosine deaminase 2. Also called: Adenosine Deaminase 2 Deficiency; VASCULITIS, AUTOINFLAMMATION, IMMUNODEFICIENCY, AND HEMATOLOGIC DEFECTS SYNDROME; Polyarteritis nodosa, childhoood-onset. Identifiers: Orphanet 404553, MedGen C3887654, MONDO:0014306, OMIM 615688, MONDO:0100317.
Sneddon syndrome (SNDNS). Also called: LIVEDO RETICULARIS AND CEREBROVASCULAR ACCIDENTS; Idiopathic livedo reticularis with systemic involvement. Identifiers: Orphanet 820, MedGen C0282492, MONDO:0008436, OMIM 182410.

gnomAD v4.1: 17 of 1,613,916 alleles (0.0011%); highest among the groups gnomAD compares: Admixed American, 0.005%; no homozygotes.

Submissions (2):

Labcorp Genetics (formerly Invitae), Labcorp
Classification: Uncertain significance for Deficiency of adenosine deaminase 2. Last evaluated: 2024-10-22. Review status: criteria provided, single submitter. Criteria: Invitae Variant Classification Sherloc (09022015). Collection method: clinical testing. Allele origin: germline.
Comment: This sequence change replaces glycine, which is neutral and non-polar, with cysteine, which is neutral and slightly polar, at codon 25 of the ADA2 protein (p.Gly25Cys). This variant is present in population databases (rs373732727, gnomAD 0.009%). This missense change has been observed in individual(s) with autosomal recessive deficiency of adenosine deaminase 2 (PMID: 29681619). It has also been observed to segregate with disease in related individuals. ClinVar contains an entry for this variant (Variation ID: 2073018). An algorithm developed to predict the effect of missense changes on protein structure and function outputs the following: PolyPhen-2: "Benign". The cysteine amino acid residue is found in multiple mammalian species, which suggests that this missense change does not adversely affect protein function. Experimental studies are conflicting or provide insufficient evidence to determine the effect of this variant on ADA2 function (PMID: 34004258). Algorithms developed to predict the effect of sequence changes on RNA splicing suggest that this variant may disrupt the consensus splice site. In summary, the available evidence is currently insufficient to determine the role of this variant in disease. Therefore, it has been classified as a Variant of Uncertain Significance.

Fulgent Genetics
Classification: Uncertain significance for Sneddon syndrome; Deficiency of adenosine deaminase 2. Last evaluated: 2023-12-29. Review status: criteria provided, single submitter. Criteria: ACMG Guidelines, 2015. Collection method: clinical testing. Allele origin: germline.

Literature cited by the submitters: PubMed 29681619 (cited by Labcorp Genetics (formerly Invitae), Labcorp); PubMed 34004258 (cited by Labcorp Genetics (formerly Invitae), Labcorp).

NM_001282225.2(ADA2):c.73G>T (p.Gly25Cys)

Gene: ADA2 (adenosine deaminase 2; minus strand). Cytogenetic location: 22q11.1.
Variant type: single nucleotide variant.
Coding change: c.73G>T on transcript NM_001282225.2 (MANE Select); coding-DNA position 73, G replaced by T.
Protein change: p.Gly25Cys; replaces glycine 25 with cysteine.
Molecular consequence: missense variant. On other transcripts: intron variant (3).
Genome position (GRCh38, 1-based): chr22:17,209,605, C>A on the plus strand (G>T on the coding strand, the complement: ADA2 is on the minus strand). VCF-style: chr22-17209605-C-A. GRCh37 (hg19) VCF-style: chr22-17690495-C-A.
Other names: c.73G>T, p.Gly25Cys (NM_001282226.2); c.-47-7G>T (NM_001282227.2, NM_001282228.2); c.-38-2315G>T (NM_001282229.2); short protein forms G25C.
Identifiers: ClinVar variation 2073018 (VCV002073018.3), dbSNP rs373732727, ClinGen allele CA10088347.
Genomic context (GRCh38, chr22:17,209,605, plus strand): 5'-GCATCATCTTTTCTTTCAACAACAGATGCGCCCGTGTTTCATCTATGGATAGAGCTGAGC[C>A]GAAGAAAGACATTGCCACAGCCAACAGCAAGAAGCACAGGGCTGGCCGCTCAGATGGGCC-3'
Protein context (NP_001269154.1, residues 15-35): LLLAVAMSFF[Gly25Cys]SALSIDETRA